The following is an entry in ClinVar:

ClinVar aggregate classification (germline): Uncertain significance (1 of 4 stars; one submission).

Submission:

Ambry Genetics
Classification: Uncertain significance. Last evaluated: 2024-05-15. Review status: criteria provided, single submitter. Criteria: Ambry Variant Classification Scheme 2023. Collection method: clinical testing. Allele origin: germline.
Comment: The c.1377-3T>C intronic variant results from a T to C substitution 3 nucleotides upstream from coding exon 14 in the KIF1B gene. This nucleotide position is not well conserved in available vertebrate species. In silico splice site analysis predicts that this alteration will not have any significant effect on splicing. The evidence for this gene-disease relationship is limited; therefore, the clinical significance of this alteration is unclear.

NM_001365951.3(KIF1B):c.1515-3T>C

Gene: KIF1B (kinesin family member 1B; plus strand). Cytogenetic location: 1p36.22.
Variant type: single nucleotide variant.
Coding change: c.1515-3T>C on transcript NM_001365951.3 (MANE Select); 3 bases into the intron before coding-DNA position 1515, T replaced by C.
Molecular consequence: intron variant.
Genome position (GRCh38, 1-based): chr1:10,292,044, T>C. VCF-style: chr1-10292044-T-C. GRCh37 (hg19) VCF-style: chr1-10352102-T-C.
Other names: c.1377-3T>C (NM_183416.4, NM_015074.3, NM_001365953.1); c.1515-3T>C (NM_001365952.1).
Identifiers: ClinVar variation 3288426 (VCV003288426.1).